The following is an entry in ClinVar:

ClinVar aggregate classification (germline): Likely pathogenic (1 of 4 stars; one submission).

Conditions:
Cardiovascular phenotype. Identifiers: MedGen CN230736.

gnomAD v4.1: 7 of 1,614,010 alleles (0.00043%); highest among the groups gnomAD compares: Non-Finnish European, 0.00034%; no homozygotes.

Submission:

Molecular Diagnostic Laboratory for Inherited Cardiovascular Disease, Montreal Heart Institute
Classification: Likely pathogenic for Cardiovascular phenotype. Last evaluated: 2026-02-02. Review status: criteria provided, single submitter. Criteria: ACMG Guidelines, 2015. Collection method: clinical testing. Allele origin: germline. Affected: yes.
Comment: PVS1, PM2

NM_020745.4(AARS2):c.1954C>T (p.Gln652Ter)

Gene: AARS2 (alanyl-tRNA synthetase 2, mitochondrial; minus strand). Cytogenetic location: 6p21.1.
Variant type: single nucleotide variant.
Coding change: c.1954C>T on transcript NM_020745.4 (MANE Select); coding-DNA position 1954, C replaced by T.
Protein change: p.Gln652Ter; replaces glutamine 652 with a stop codon.
Molecular consequence: nonsense.
Genome position (GRCh38, 1-based): chr6:44,304,234, G>A on the plus strand (C>T on the coding strand, the complement: AARS2 is on the minus strand). VCF-style: chr6-44304234-G-A. GRCh37 (hg19) VCF-style: chr6-44271971-G-A.
Other names: short protein forms Q652*.
Identifiers: ClinVar variation 4820502 (VCV004820502.1), dbSNP rs1299832795.
Genomic context (GRCh38, chr6:44,304,234, plus strand): 5'-GGCTCACCTGGGTGGTCACATCCAAGCGCAGCTGCTCAGGATTGAGATGGGAGCCCTGCT[G>A]CTCTGTGCCAGGGCCCAGGGTCTGCCTCAGTGCCCAGTTCAGCAGGTGGGTGGCCGTATG-3'